The following is an entry in ClinVar:

NM_000211.5(ITGB2):c.819G>A (p.Gly273=)

Gene: ITGB2 (integrin subunit beta 2; minus strand). Cytogenetic location: 21q22.3.
Variant type: single nucleotide variant.
Coding change: c.819G>A on transcript NM_000211.5 (MANE Select); coding-DNA position 819, G replaced by A.
Protein change: p.Gly273=; no amino-acid change (glycine 273 retained).
Molecular consequence: synonymous variant.
Genome position (GRCh38, 1-based): chr21:44,900,398, C>T on the plus strand (G>A on the coding strand, the complement: ITGB2 is on the minus strand). VCF-style: chr21-44900398-C-T. GRCh37 (hg19) VCF-style: chr21-46320313-C-T.
Other names: p.Gly273=; c.819G>A, p.Gly273= (NM_001127491.3); c.612G>A, p.Gly204= (NM_001303238.2); c.819G>A (NM_000211.4).
Identifiers: ClinVar variation 100761 (VCV000100761.30), dbSNP rs2230528, ClinGen allele CA249779.

ClinVar aggregate classification (germline): Benign/Likely benign. Review status: criteria provided, multiple submitters, no conflicts (2 of 4 stars). 11 submissions from 11 submitters: Benign (9); Likely benign (1). 1 of the submissions does not count toward it. Last evaluated 2026-02-04.

Conditions:
Leukocyte adhesion deficiency 1 (LAD1). Also called: LEUKOCYTE ADHESION DEFICIENCY, TYPE I; LAD 1; Lymphocyte function-associated antigen 1 immunodeficiency; LFA 1 immunodeficiency. Identifiers: Orphanet 2968, Orphanet 99842, MedGen C0398738, MONDO:0007293, OMIM 116920.

Allele frequency attached by ClinVar (database versions not stated): gnomAD 0.21986 and 0.22211; 1000 Genomes Project 0.22304; 1000 Genomes Project 30x 0.22423; TOPMed 0.22563; ExAC 0.24285; gnomAD exomes 0.24657; ESP Exome Variant Server 0.21621.
gnomAD v4.1: 379,226 of 1,613,910 alleles (23%); highest among the groups gnomAD compares: Admixed American, 35%; 46,044 homozygotes.

Submissions (11):

Labcorp Genetics (formerly Invitae), Labcorp
Classification: Benign for Leukocyte adhesion deficiency 1. Last evaluated: 2026-02-04. Review status: criteria provided, single submitter. Criteria: Invitae Variant Classification Sherloc (09022015). Collection method: clinical testing. Allele origin: germline.

Women's Health and Genetics/Laboratory Corporation of America, LabCorp
Classification: Benign. Last evaluated: 2026-01-21. Review status: criteria provided, single submitter. Criteria: LabCorp Variant Classification Summary - May 2015. Collection method: clinical testing. Allele origin: germline.

Blueprint Genetics
Classification: Likely benign. Last evaluated: 2024-11-28. Review status: criteria provided, single submitter. Criteria: ACMG Guidelines, 2015. Collection method: clinical testing. Allele origin: germline.

Unidad de Genómica Garrahan, Hospital de Pediatría Garrahan
Classification: Benign. Last evaluated: 2024-01-24. Review status: criteria provided, single submitter. Criteria: ACMG Guidelines, 2015. Collection method: clinical testing. Allele origin: germline. Affected: no. Observed: 45 variant alleles.
Comment: This variant is classified as Benign based on local population frequency. This variant was detected in 47% of patients studied by a panel of primary immunodeficiencies. Number of patients: 45. Only high quality variants are reported.

Genome-Nilou Lab
Classification: Benign for Leukocyte adhesion deficiency 1. Last evaluated: 2021-08-19. Review status: criteria provided, single submitter. Criteria: ACMG Guidelines, 2015. Collection method: clinical testing. Allele origin: germline. Affected: no.

Mayo Clinic Laboratories, Mayo Clinic
Classification: Benign. Last evaluated: 2018-08-16. Review status: criteria provided, single submitter. Criteria: ACMG Guidelines, 2015. Collection method: clinical testing. Allele origin: germline. Observed: 331 variant alleles.

Illumina Laboratory Services, Illumina
Classification: Benign for Leukocyte adhesion deficiency 1. Last evaluated: 2018-01-13. Review status: criteria provided, single submitter. Criteria: ICSL Variant Classification Criteria 13 December 2019. Collection method: clinical testing. Allele origin: germline.
Comment: This variant was observed in the ICSL laboratory as part of a predisposition screen in an ostensibly healthy population. It had not been previously curated by ICSL or reported in the Human Gene Mutation Database (HGMD: prior to June 1st, 2018), and was therefore a candidate for classification through an automated scoring system. Utilizing variant allele frequency, disease prevalence and penetrance estimates, and inheritance mode, an automated score was calculated to assess if this variant is too frequent to cause the disease. Based on the score and internal cut-off values, a variant classified as benign is not then subjected to further curation. The score for this variant resulted in a classification of benign for this disease.

Laboratory for Molecular Medicine, Mass General Brigham Personalized Medicine
Classification: Benign. Last evaluated: 2016-03-28. Review status: criteria provided, single submitter. Criteria: LMM Criteria. Collection method: clinical testing. Allele origin: germline.
Comment: Variant identified in a genome or exome case(s) and assessed due to predicted null impact of the variant or pathogenic assertions in the literature or databases. Disclaimer: This variant has not undergone full assessment. The following are preliminary notes: Frequency

GeneDx
Classification: Benign. Last evaluated: 2015-03-03. Review status: criteria provided, single submitter. Criteria: GeneDx Variant Classification Process June 2021. Collection method: clinical testing. Allele origin: germline. Affected: yes.

Breakthrough Genomics
Classification: Benign. Review status: criteria provided, single submitter. Criteria: ACMG Guidelines, 2015. Collection method: not provided. Allele origin: germline. Inheritance: Autosomal recessive inheritance. Affected: yes.

Genomic Research Center, Shahid Beheshti University of Medical Sciences
No classification provided. Condition: Leukocyte adhesion deficiency type 1. Review status: no classification provided. Collection method: not provided. Allele origin: inherited. Study: Mutation spectra of the ITGB2 gene in Iranian families with leukocyte adhesion deficiency type 1. Not counted in ClinVar's aggregate classification.
ClinVar note: Converted during submission from untested to not provided.